The following is an entry in ClinVar:

ClinVar aggregate classification (germline): Benign/Likely benign. Review status: criteria provided, multiple submitters, no conflicts (2 of 4 stars). 11 submissions from 11 submitters: Benign (5); Likely benign (4). 2 of the submissions do not count toward it. Last evaluated 2026-02-02.

Conditions:
Lynch syndrome 5 (LYNCH5). Also called: Colorectal cancer, hereditary nonpolyposis, type 5; Hereditary non-polyposis colorectal cancer, type 5. Identifiers: Orphanet 144, MedGen C1833477, MONDO:0013710, OMIM 614350. Disease mechanism: loss of function.
Hereditary nonpolyposis colorectal neoplasms. Identifiers: MedGen C0009405, MeSH D003123.
Hereditary cancer-predisposing syndrome. Also called: Neoplastic Syndromes, Hereditary; Hereditary Cancer Syndrome; Tumor predisposition; Hereditary neoplastic syndrome. Identifiers: Orphanet 140162, MedGen C0027672, MeSH D009386, MONDO:0015356.

Allele frequency attached by ClinVar (database versions not stated): gnomAD exomes 0.00015 and 0.00038; ExAC 0.00049; 1000 Genomes Project 30x 0.00125; gnomAD 0.00146 and 0.00159; 1000 Genomes Project 0.00160; TOPMed 0.00172; ESP Exome Variant Server 0.00208.
gnomAD v4.1: 461 of 1,613,978 alleles (0.029%); highest among the groups gnomAD compares: African/African-American, 0.52%; 3 homozygotes.

Submissions (11):

Labcorp Genetics (formerly Invitae), Labcorp
Classification: Benign for Hereditary nonpolyposis colorectal neoplasms. Last evaluated: 2026-02-02. Review status: criteria provided, single submitter. Criteria: Invitae Variant Classification Sherloc (09022015). Collection method: clinical testing. Allele origin: germline.

Blueprint Genetics
Classification: Likely benign. Last evaluated: 2024-07-06. Review status: criteria provided, single submitter. Criteria: ACMG Guidelines, 2015. Collection method: clinical testing. Allele origin: germline.

Mendelics
Classification: Likely benign for Lynch syndrome 5. Last evaluated: 2019-05-28. Review status: criteria provided, single submitter. Criteria: Mendelics Assertion Criteria 2017. Collection method: clinical testing. Allele origin: unknown.

ARUP Laboratories, Molecular Genetics and Genomics, ARUP Laboratories
Classification: Benign. Last evaluated: 2019-03-27. Review status: criteria provided, single submitter. Criteria: ARUP Molecular Germline Variant Investigation Process. Collection method: clinical testing. Allele origin: germline.

PreventionGenetics, part of Exact Sciences
Classification: Benign. Last evaluated: 2017-06-07. Review status: criteria provided, single submitter. Criteria: ACMG Guidelines, 2015. Collection method: clinical testing. Allele origin: germline.

Women's Health and Genetics/Laboratory Corporation of America, LabCorp
Classification: Benign. Last evaluated: 2016-01-04. Review status: criteria provided, single submitter. Criteria: LabCorp Variant Classification Summary - May 2015. Collection method: clinical testing. Allele origin: germline.
Comment: Variant summary: This c.3801+17T>C variant affects a non-conserved intronic nucleotide at a location not widely known to affect normal splicing. 5/5 splice-site tools via Alamut predict that this variant does not affect normal splicing. In addition, ESEfinder also predicts that this variant does not affect ESE sites. This variant is found in 51/10276 African control chromosomes (including 1 homozygote) at a frequency of 0.00496, which is about 34 times greater than the maximal expected frequency of a pathogenic allele (0.0001421) in this gene, suggesting this variant is benign. In addition, two clinical laboratories have classified this variant as benign/likely benign. Taken together, this variant was classified as Benign.

Ambry Genetics
Classification: Likely benign for Hereditary cancer-predisposing syndrome. Last evaluated: 2015-10-21. Review status: criteria provided, single submitter. Criteria: Ambry Variant Classification Scheme 2023. Collection method: clinical testing. Allele origin: germline.

Color Diagnostics, LLC DBA Color Health
Classification: Likely benign for Hereditary cancer-predisposing syndrome. Last evaluated: 2015-04-23. Review status: criteria provided, single submitter. Criteria: ACMG Guidelines, 2015. Collection method: clinical testing. Allele origin: germline.

GeneDx
Classification: Benign. Last evaluated: 2014-03-14. Review status: criteria provided, single submitter. Criteria: GeneDx Variant Classification (06012015). Collection method: clinical testing. Allele origin: germline. Affected: yes.
Comment: This variant is considered likely benign or benign based on one or more of the following criteria: it is a conservative change, it occurs at a poorly conserved position in the protein, it is predicted to be benign by multiple in silico algorithms, and/or has population frequency not consistent with disease.

Counsyl
Classification: Likely benign for Lynch syndrome 5. Last evaluated: 2015-12-22. Review status: no assertion criteria provided. Collection method: clinical testing. Allele origin: unknown. Not counted in ClinVar's aggregate classification.

Mayo Clinic Laboratories, Mayo Clinic
Classification: Likely benign. Review status: no assertion criteria provided. Collection method: research. Allele origin: unknown. Observed: 1 variant allele. Not counted in ClinVar's aggregate classification.

Literature cited by the submitters: PubMed 10537275 (cited by Women's Health and Genetics/Laboratory Corporation of America, LabCorp and Counsyl).

NM_000179.3(MSH6):c.3801+17T>C

Gene: MSH6 (mutS homolog 6; plus strand). Cytogenetic location: 2p16.3.
Variant type: single nucleotide variant.
Coding change: c.3801+17T>C on transcript NM_000179.3 (MANE Select); 17 bases into the intron after coding-DNA position 3801, T replaced by C.
Molecular consequence: intron variant.
Genome position (GRCh38, 1-based): chr2:47,806,375, T>C. VCF-style: chr2-47806375-T-C. GRCh37 (hg19) VCF-style: chr2-48033514-T-C.
Other names: c.2895+17T>C (NM_001281493.2, NM_001281494.2); c.3411+17T>C (NM_001281492.2).
Identifiers: ClinVar variation 89464 (VCV000089464.27), dbSNP rs3136365, ClinGen allele CA014357.